The following is an entry in ClinVar:

ClinVar aggregate classification (germline): Uncertain significance (1 of 4 stars; one submission).

Submission:

Labcorp Genetics (formerly Invitae), Labcorp
Classification: Uncertain significance. Last evaluated: 2024-10-27. Review status: criteria provided, single submitter. Criteria: Invitae Variant Classification Sherloc (09022015). Collection method: clinical testing. Allele origin: germline.
Comment: This sequence change replaces glycine, which is neutral and non-polar, with arginine, which is basic and polar, at codon 153 of the NYNRIN protein (p.Gly153Arg). This variant is present in population databases (no rsID available, gnomAD 0.007%). This variant has not been reported in the literature in individuals affected with NYNRIN-related conditions. Experimental studies and prediction algorithms are not available or were not evaluated, and the functional significance of this variant is currently unknown. In summary, the available evidence is currently insufficient to determine the role of this variant in disease. Therefore, it has been classified as a Variant of Uncertain Significance.

NM_025081.3(NYNRIN):c.457G>A (p.Gly153Arg)

Gene: NYNRIN (NYN domain and retroviral integrase containing; plus strand). Cytogenetic location: 14q12.
Variant type: single nucleotide variant.
Coding change: c.457G>A on transcript NM_025081.3 (MANE Select); coding-DNA position 457, G replaced by A.
Protein change: p.Gly153Arg; replaces glycine 153 with arginine.
Molecular consequence: missense variant.
Genome position (GRCh38, 1-based): chr14:24,408,127, G>A. VCF-style: chr14-24408127-G-A. GRCh37 (hg19) VCF-style: chr14-24877333-G-A.
Other names: short protein forms G153R.
Identifiers: ClinVar variation 3723849 (VCV003723849.2).